The following is an entry in ClinVar:

ClinVar aggregate classification (germline): Uncertain significance. Review status: criteria provided, single submitter (1 of 4 stars). 2 submissions from 2 submitters: Uncertain significance (1). 1 of the submissions does not count toward it. Last evaluated 2022-01-11.

Conditions:
Olaparib response. Also called: Lynparza response. Identifiers: MedGen CN224080.

Allele frequency attached by ClinVar (database versions not stated): gnomAD exomes below 0.00001.
gnomAD v4.1: 1 of 1,611,948 alleles (0.000062%); highest among the groups gnomAD compares: East Asian, 0.0022%; no homozygotes.

Submissions (2):

Labcorp Genetics (formerly Invitae), Labcorp
Classification: Uncertain significance. Last evaluated: 2022-01-11. Review status: criteria provided, single submitter. Criteria: Invitae Variant Classification Sherloc (09022015). Collection method: clinical testing. Allele origin: germline.
Comment: This sequence change replaces valine, which is neutral and non-polar, with alanine, which is neutral and non-polar, at codon 254 of the GEN1 protein (p.Val254Ala). This variant is not present in population databases (gnomAD no frequency). This variant has not been reported in the literature in individuals affected with GEN1-related conditions. Algorithms developed to predict the effect of missense changes on protein structure and function output the following: SIFT: "Tolerated"; PolyPhen-2: "Benign"; Align-GVGD: "Class C0". The alanine amino acid residue is found in multiple mammalian species, which suggests that this missense change does not adversely affect protein function. In summary, the available evidence is currently insufficient to determine the role of this variant in disease. Therefore, it has been classified as a Variant of Uncertain Significance.

Department of Thoracic Surgery and State Key Laboratory of Genetic Engineering, Fudan University Shanghai Cancer Center
Classification: drug response for Olaparib response. Last evaluated: 2023-11-01. Review status: no assertion criteria provided. Collection method: research. Allele origin: germline. Affected: yes. Not counted in ClinVar's aggregate classification.
Comment: Germline variants of Holliday junction resolvase genes in multiple primary malignancies involving lung cancer lead to Olaparib sensitization.

NM_001130009.3(GEN1):c.761T>C (p.Val254Ala)

Gene: GEN1 (GEN1 structure-specific endonuclease; plus strand). Cytogenetic location: 2p24.2.
Variant type: single nucleotide variant.
Coding change: c.761T>C on transcript NM_001130009.3 (MANE Select); coding-DNA position 761, T replaced by C.
Protein change: p.Val254Ala; replaces valine 254 with alanine.
Molecular consequence: missense variant.
Genome position (GRCh38, 1-based): chr2:17,771,246, T>C. VCF-style: chr2-17771246-T-C. GRCh37 (hg19) VCF-style: chr2-17952513-T-C.
Other names: c.761T>C, p.Val254Ala (NM_182625.5); short protein forms V254A.
Identifiers: ClinVar variation 2188561 (VCV002188561.5), dbSNP rs1164759608, ClinGen allele CA345914993.
Genomic context (GRCh38, chr2:17,771,246, plus strand): 5'-TCTATTAAAGGTTTAATCGGTGGAATGAAACATCTTGTAACTCTAGTCCACAACTGCTAG[T>C]CACTAAAAAACTGGCTCATTGTTCCGTATGTTCCCATCCAGGTAAGGAGACATAGGGAAT-3'
Protein context (NP_001123481.3, residues 244-264): TSCNSSPQLL[Val254Ala]TKKLAHCSVC